The following is an entry in ClinVar:

NM_000548.5(TSC2):c.2508A>T (p.Thr836=)

Gene: TSC2 (TSC complex subunit 2; plus strand). Cytogenetic location: 16p13.3.
Variant type: single nucleotide variant.
Coding change: c.2508A>T on transcript NM_000548.5 (MANE Select); coding-DNA position 2508, A replaced by T.
Protein change: p.Thr836=; no amino-acid change (threonine 836 retained).
Molecular consequence: synonymous variant.
Genome position (GRCh38, 1-based): chr16:2,074,352, A>T. VCF-style: chr16-2074352-A-T. GRCh37 (hg19) VCF-style: chr16-2124353-A-T.
Other names: c.2508A>T, p.Thr836= (NM_001077183.3, NM_001114382.3, NM_001363528.2 and 3 more transcripts); c.2397A>T, p.Thr799= (NM_001318827.2); c.2361A>T, p.Thr787= (NM_001318829.2); c.1908A>T, p.Thr636= (NM_001318831.2); c.2541A>T, p.Thr847= (NM_001318832.2).
Identifiers: ClinVar variation 743664 (VCV000743664.11), dbSNP rs137854242, ClinGen allele CA492953215.
Genomic context (GRCh38, chr16:2,074,352, plus strand): 5'-TGACATCATCATCAAGGCGCTGCCTGTTCTGGTGGTGAAGCTCACGCACATCTCAGCCAC[A>T]GCCAGCATGGCCGTCCCACTGCTGGAGTTCCTGTCCAGTGAGTCCCCGCCCTGCCTGCGC-3'
Protein context (NP_000539.2, residues 826-846): LVVKLTHISA[Thr836=]ASMAVPLLEF

ClinVar aggregate classification (germline): Benign/Likely benign. Review status: criteria provided, multiple submitters, no conflicts (2 of 4 stars). 2 submissions from 2 submitters: Benign (1); Likely benign (1). Last evaluated 2025-05-20.

Conditions:
Tuberous sclerosis 2 (TSC2). Identifiers: Orphanet 805, MedGen C1860707, MONDO:0013199, OMIM 613254.

Submissions (2):

Myriad Genetics, Inc.
Classification: Benign for Tuberous sclerosis 2. Last evaluated: 2025-05-20. Review status: criteria provided, single submitter. Criteria: Myriad Autosomal Dominant, Autosomal Recessive and X-Linked Classification Criteria (2023). Collection method: clinical testing. Allele origin: unknown.
Comment: This variant is considered benign. This variant is a silent/synonymous amino acid change and it is not expected to impact splicing.

Labcorp Genetics (formerly Invitae), Labcorp
Classification: Likely benign for Tuberous sclerosis 2. Last evaluated: 2018-01-18. Review status: criteria provided, single submitter. Criteria: Invitae Variant Classification Sherloc (09022015). Collection method: clinical testing. Allele origin: germline.